The following is an entry in ClinVar:

NM_001365951.3(KIF1B):c.3445G>C (p.Ala1149Pro)

Gene: KIF1B (kinesin family member 1B; plus strand). Cytogenetic location: 1p36.22.
Variant type: single nucleotide variant.
Coding change: c.3445G>C on transcript NM_001365951.3 (MANE Select); coding-DNA position 3445, G replaced by C.
Protein change: p.Ala1149Pro; replaces alanine 1149 with proline.
Molecular consequence: missense variant.
Genome position (GRCh38, 1-based): chr1:10,339,791, G>C. VCF-style: chr1-10339791-G-C. GRCh37 (hg19) VCF-style: chr1-10399849-G-C.
Other names: c.3445G>C, p.Ala1149Pro (NM_001365952.1); c.3307G>C, p.Ala1103Pro (NM_015074.3); short protein forms A1103P, A1149P.
Identifiers: ClinVar variation 3533916 (VCV003533916.1).

ClinVar aggregate classification (germline): Uncertain significance (1 of 4 stars; one submission).

Submission:

Ambry Genetics
Classification: Uncertain significance. Last evaluated: 2024-06-30. Review status: criteria provided, single submitter. Criteria: Ambry Variant Classification Scheme 2023. Collection method: clinical testing. Allele origin: germline.
Comment: The p.A1103P variant (also known as c.3307G>C), located in coding exon 29 of the KIF1B gene, results from a G to C substitution at nucleotide position 3307. The alanine at codon 1103 is replaced by proline, an amino acid with highly similar properties. This amino acid position is conserved. In addition, this alteration is predicted to be deleterious by in silico analysis. Based on the available evidence, the clinical significance of this variant remains unclear.